The following is an entry in ClinVar:

NM_001447.3(FAT2):c.6089G>A (p.Arg2030Gln)

Genes: FAT2 (FAT atypical cadherin 2; minus strand), SLC36A1 (solute carrier family 36 member 1; plus strand). Cytogenetic location: 5q33.1.
Variant type: single nucleotide variant.
Coding change: c.6089G>A on transcript NM_001447.3 (MANE Select); coding-DNA position 6089, G replaced by A.
Protein change: p.Arg2030Gln; replaces arginine 2030 with glutamine.
Molecular consequence: missense variant.
Genome position (GRCh38, 1-based): chr5:151,545,038, C>T on the plus strand (G>A on the coding strand, the complement: FAT2 is on the minus strand). VCF-style: chr5-151545038-C-T. GRCh37 (hg19) VCF-style: chr5-150924599-C-T.
Other names: short protein forms R2030Q.
Identifiers: ClinVar variation 3895608 (VCV003895608.1).
Genomic context (GRCh38, chr5:151,545,038, plus strand): 5'-CGCTGAGGTGTCCGATTGTCCCTCACTTCCACTGCCAACTCATGAGTGTCCTGCTGCTCC[C>T]GGTCAAACGCCACACCTCTTGTCTGCAACACACCTGCTGACTGGACCATATGAAACATAT-3'
Protein context (NP_001438.1, residues 2020-2040): VLQTRGVAFD[Arg2030Gln]EQQDTHELAV

ClinVar aggregate classification (germline): Uncertain significance (1 of 4 stars; one submission).

gnomAD v4.1: 30 of 1,614,042 alleles (0.0019%); highest among the groups gnomAD compares: African/African-American, 0.0027%; no homozygotes.

Submission:

Women's Health and Genetics/Laboratory Corporation of America, LabCorp
Classification: Uncertain significance. Last evaluated: 2025-03-17. Review status: criteria provided, single submitter. Criteria: LabCorp Variant Classification Summary - May 2015. Collection method: clinical testing. Allele origin: germline.
Comment: Variant summary: FAT2 c.6089G>A (p.Arg2030Gln) results in a conservative amino acid change in the encoded protein sequence. Four of five in-silico tools predict a damaging effect of the variant on protein function. The variant allele was found at a frequency of 8e-06 in 250998 control chromosomes (gnomAD). The available data on variant occurrences in the general population are insufficient to allow any conclusion about variant significance. c.6089G>A has been reported in the literature in one individual affected with autism (Zhou_2022). These report(s) do not provide unequivocal conclusions about association of the variant with Spinocerebellar Ataxia 45. To our knowledge, no experimental evidence demonstrating an impact on protein function has been reported. The following publication have been ascertained in the context of this evaluation (PMID: 35982159). No submitters have cited clinical-significance assessments for this variant to ClinVar. Based on the evidence outlined above, the variant was classified as uncertain significance.

Literature cited by the submitters: PubMed 35982159.